The following is an entry in ClinVar:

NM_000384.3(APOB):c.7612C>T (p.Leu2538=)

Gene: APOB (apolipoprotein B; minus strand). Cytogenetic location: 2p24.1.
Variant type: single nucleotide variant.
Coding change: c.7612C>T on transcript NM_000384.3 (MANE Select); coding-DNA position 7612, C replaced by T.
Protein change: p.Leu2538=; no amino-acid change (leucine 2538 retained).
Molecular consequence: synonymous variant.
Genome position (GRCh38, 1-based): chr2:21,009,256, G>A on the plus strand (C>T on the coding strand, the complement: APOB is on the minus strand). VCF-style: chr2-21009256-G-A. GRCh37 (hg19) VCF-style: chr2-21232128-G-A.
Other names: p.Leu2538=.
Identifiers: ClinVar variation 255988 (VCV000255988.65), dbSNP rs72653093, ClinGen allele CA064592.

ClinVar aggregate classification (germline): Conflicting classifications of pathogenicity. Review status: criteria provided, conflicting classifications (1 of 4 stars). 16 submissions from 15 submitters: Uncertain significance (3); Benign (3); Likely benign (10). Last evaluated 2026-04-01.

Conditions:
Cardiovascular phenotype. Identifiers: MedGen CN230736.
Hypercholesterolemia, familial, 1. Also called: LDL RECEPTOR DISORDER; Hyperlipoproteinemia Type IIa; HYPER-LOW-DENSITY-LIPOPROTEINEMIA; HYPERCHOLESTEROLEMIC XANTHOMATOSIS, FAMILIAL; Fredrickson type IIa hyperlipoproteinemia; Hyperlipoproteinemia type 2. Identifiers: Orphanet 391665, MedGen C0745103, MONDO:0007750, OMIM 143890.
Familial hypobetalipoproteinemia 1. Also called: APOB-Related Familial Hypobetalipoproteinemia; Hypobetalipoproteinemia, normotriglyceridemic; Acanthocytosis with hypobetalipoproteinemia. Identifiers: MedGen C4551990, MONDO:0014252, OMIM 615558.
Hypercholesterolemia, autosomal dominant, type B (FHCL2). Also called: APOB-Related Familial Hypercholesterolemia, Autosomal Dominant; HYPERCHOLESTEROLEMIA, FAMILIAL, DUE TO LIGAND-DEFECTIVE APOLIPOPROTEIN B; Familial Hypercholesterolemia Type B; APOLIPOPROTEIN B-100, FAMILIAL DEFECTIVE; APOLIPOPROTEIN B-100, FAMILIAL LIGAND-DEFECTIVE; Hyperlipoproteinemia Type IIb. Identifiers: MedGen C1704417, MONDO:0007751, OMIM 144010.
Familial hypercholesterolemia. Also called: Familial hypercholesterolaemia; Familial hypercholesterolemias. Identifiers: MedGen C0020445, MONDO:0005439.

Allele frequency attached by ClinVar (database versions not stated): 1000 Genomes Project 30x 0.00031; 1000 Genomes Project 0.00040; gnomAD 0.00102 and 0.00108; TOPMed 0.00106; gnomAD exomes 0.00130; ExAC 0.00151; ESP Exome Variant Server 0.00192.
gnomAD v4.1: 2,412 of 1,614,080 alleles (0.15%); highest among the groups gnomAD compares: Non-Finnish European, 0.18%; 1 homozygote.

Submissions (16):

CeGaT Center for Human Genetics Tuebingen
Classification: Likely benign. Last evaluated: 2026-04-01. Review status: criteria provided, single submitter. Criteria: CeGaT Center For Human Genetics Tuebingen Variant Classification Criteria Version 2. Collection method: clinical testing. Allele origin: germline. Affected: yes. Observed: 12 variant alleles.
Comment: APOB: BP4

Labcorp Genetics (formerly Invitae), Labcorp
Classification: Benign for Familial hypobetalipoproteinemia 1; Hypercholesterolemia, autosomal dominant, type B. Last evaluated: 2026-01-31. Review status: criteria provided, single submitter. Criteria: Invitae Variant Classification Sherloc (09022015). Collection method: clinical testing. Allele origin: germline.

Mayo Clinic Laboratories, Mayo Clinic
Classification: Likely benign. Last evaluated: 2025-12-14. Review status: criteria provided, single submitter. Criteria: ACMG Guidelines, 2015. Collection method: clinical testing. Allele origin: germline. Observed: 7 variant alleles.
Comment: BS1, BP4, BP7

Molecular Diagnostic Laboratory for Inherited Cardiovascular Disease, Montreal Heart Institute
Classification: Likely benign. Last evaluated: 2025-04-09. Review status: criteria provided, single submitter. Criteria: ACMG Guidelines, 2015. Collection method: clinical testing. Allele origin: germline. Affected: no.

Blueprint Genetics
Classification: Likely benign. Last evaluated: 2024-10-17. Review status: criteria provided, single submitter. Criteria: ACMG Guidelines, 2015. Collection method: clinical testing. Allele origin: germline.

ARUP Laboratories, Molecular Genetics and Genomics, ARUP Laboratories
Classification: Likely benign. Last evaluated: 2024-05-19. Review status: criteria provided, single submitter. Criteria: ARUP Molecular Germline Variant Investigation Process 2024. Collection method: clinical testing. Allele origin: germline.

GENinCode PLC
Classification: Likely benign for Familial hypercholesterolemia. Last evaluated: 2024-02-21. Review status: criteria provided, single submitter. Criteria: ACMG Guidelines, 2015. Collection method: clinical testing. Allele origin: germline.
Comment: This is a synonymous (silent) variant that is not predicted by SpliceAI to impact splicing. In addition, it occurs at a nucleotide that is not conserved. Therefore this variant has been classified as Likely Benign (BP4, BP7).

New York Genome Center
Classification: Uncertain significance for Hypercholesterolemia, autosomal dominant, type B; Familial hypobetalipoproteinemia 1. Last evaluated: 2021-10-19. Review status: criteria provided, single submitter. Criteria: NYGC Assertion Criteria 2020. Collection method: clinical testing. Allele origin: germline. Observed: 1 heterozygote.

GeneDx
Classification: Likely benign. Last evaluated: 2021-01-07. Review status: criteria provided, single submitter. Criteria: GeneDx Variant Classification Process June 2021. Collection method: clinical testing. Allele origin: germline. Affected: yes.
Comment: This variant is associated with the following publications: (PMID: 31150472, 30333156)

Quest Diagnostics Nichols Institute San Juan Capistrano
Classification: Benign. Last evaluated: 2019-05-13. Review status: criteria provided, single submitter. Criteria: Quest Diagnostics criteria. Collection method: clinical testing. Allele origin: unknown.

Color Diagnostics, LLC DBA Color Health
Classification: Benign for Familial hypercholesterolemias. Last evaluated: 2018-06-29. Review status: criteria provided, single submitter. Criteria: ACMG Guidelines, 2015. Collection method: clinical testing. Allele origin: germline.

Illumina Laboratory Services, Illumina
Classification: Uncertain significance for Hypercholesterolemia, autosomal dominant, type B. Last evaluated: 2018-01-12. Review status: criteria provided, single submitter. Criteria: ICSL Variant Classification Criteria 13 December 2019. Collection method: clinical testing. Allele origin: germline.

Illumina Laboratory Services, Illumina
Classification: Uncertain significance for Familial hypobetalipoproteinemia 1. Last evaluated: 2018-01-12. Review status: criteria provided, single submitter. Criteria: ICSL Variant Classification Criteria 13 December 2019. Collection method: clinical testing. Allele origin: germline.

Robarts Research Institute, Western University
Classification: Likely benign for Hypercholesterolemia, familial, 1. Last evaluated: 2018-01-02. Review status: criteria provided, single submitter. Criteria: ACMG Guidelines, 2015. Collection method: clinical testing. Allele origin: germline. Inheritance: Autosomal dominant inheritance. Affected: yes.

Ambry Genetics
Classification: Likely benign for Cardiovascular phenotype. Last evaluated: 2017-09-15. Review status: criteria provided, single submitter. Criteria: Ambry Variant Classification Scheme 2023. Collection method: clinical testing. Allele origin: germline.

PreventionGenetics, part of Exact Sciences
Classification: Likely benign. Review status: criteria provided, single submitter. Criteria: ACMG Guidelines, 2015. Collection method: clinical testing. Allele origin: germline.

Literature cited by the submitters: PubMed 22923420 (cited by Mayo Clinic Laboratories, Mayo Clinic); PubMed 30333156 (cited by Mayo Clinic Laboratories, Mayo Clinic); PubMed 31150472 (cited by Mayo Clinic Laboratories, Mayo Clinic); PubMed 30122538 (cited by Quest Diagnostics Nichols Institute San Juan Capistrano).